The following is an entry in ClinVar:

NM_144962.3(PEBP4):c.46C>T (p.Leu16Phe)

Gene: PEBP4 (phosphatidylethanolamine binding protein 4; minus strand). Cytogenetic location: 8p21.3.
Variant type: single nucleotide variant.
Coding change: c.46C>T on transcript NM_144962.3 (MANE Select); coding-DNA position 46, C replaced by T.
Protein change: p.Leu16Phe; replaces leucine 16 with phenylalanine.
Molecular consequence: missense variant.
Genome position (GRCh38, 1-based): chr8:22,927,669, G>A on the plus strand (C>T on the coding strand, the complement: PEBP4 is on the minus strand). VCF-style: chr8-22927669-G-A. GRCh37 (hg19) VCF-style: chr8-22785182-G-A.
Other names: c.46C>T, p.Leu16Phe (NM_001363233.2); short protein forms L16F.
Identifiers: ClinVar variation 4279727 (VCV004279727.1).

ClinVar aggregate classification (germline): Uncertain significance (1 of 4 stars; one submission).

gnomAD v4.1: 463 of 1,613,902 alleles (0.029%); highest among the groups gnomAD compares: African/African-American, 0.57%; no homozygotes.

Submission:

Clinical Genomics Laboratory, Washington University in St. Louis
Classification: Uncertain significance. Last evaluated: 2025-04-23. Review status: criteria provided, single submitter. Criteria: ACMG Guidelines, 2015. Collection method: clinical testing. Allele origin: germline.
Comment: The PEBP4 c.46C>T (p.Leu16Phe) variant, to our knowledge, has not been reported in the medical literature. The highest population minor allele frequency in the population database genome aggregation database (v.4.1) is 0.57% in the African population. Computational predictors suggest that the variant does not impact PEBP4 function. Due to limited information, the clinical significance of this variant is uncertain.